The following is an entry in ClinVar:

ClinVar aggregate classification (germline): Uncertain significance (1 of 4 stars; one submission).

Conditions:
Charcot-Marie-Tooth disease dominant intermediate C (CMTDIC). Also called: CHARCOT-MARIE-TOOTH NEUROPATHY, DOMINANT INTERMEDIATE C. Identifiers: Orphanet 100045, MedGen C1842237, MONDO:0012012, OMIM 608323.

Submission:

Labcorp Genetics (formerly Invitae), Labcorp
Classification: Uncertain significance for Charcot-Marie-Tooth disease dominant intermediate C. Last evaluated: 2022-10-29. Review status: criteria provided, single submitter. Criteria: Invitae Variant Classification Sherloc (09022015). Collection method: clinical testing. Allele origin: germline.
Comment: This variant has not been reported in the literature in individuals affected with YARS-related conditions. In summary, the available evidence is currently insufficient to determine the role of this variant in disease. Therefore, it has been classified as a Variant of Uncertain Significance. Advanced modeling of protein sequence and biophysical properties (such as structural, functional, and spatial information, amino acid conservation, physicochemical variation, residue mobility, and thermodynamic stability) performed at Invitae indicates that this missense variant is expected to disrupt YARS protein function. This variant is not present in population databases (gnomAD no frequency). This sequence change replaces isoleucine, which is neutral and non-polar, with threonine, which is neutral and polar, at codon 232 of the YARS protein (p.Ile232Thr).

NM_003680.4(YARS1):c.695T>C (p.Ile232Thr)

Genes: YARS1 (tyrosyl-tRNA synthetase 1; minus strand), LOC126805688 (BRD4-independent group 4 enhancer GRCh37_chr1:33251929-33253128; plus strand). Cytogenetic location: 1p35.1.
Variant type: single nucleotide variant.
Coding change: c.695T>C on transcript NM_003680.4 (MANE Select); coding-DNA position 695, T replaced by C.
Protein change: p.Ile232Thr; replaces isoleucine 232 with threonine.
Molecular consequence: missense variant.
Genome position (GRCh38, 1-based): chr1:32,787,065, A>G on the plus strand (T>C on the coding strand, the complement: YARS1 is on the minus strand). VCF-style: chr1-32787065-A-G. GRCh37 (hg19) VCF-style: chr1-33252666-A-G.
Other names: short protein forms I232T.
Identifiers: ClinVar variation 2802040 (VCV002802040.3), dbSNP rs1553123310, ClinGen allele CA339685510.